The following is an entry in ClinVar:

NM_006261.5(PROP1):c.359G>A (p.Arg120His)

Gene: PROP1 (PROP paired-like homeobox 1; minus strand). Cytogenetic location: 5q35.3.
Variant type: single nucleotide variant.
Coding change: c.359G>A on transcript NM_006261.5 (MANE Select); coding-DNA position 359, G replaced by A.
Protein change: p.Arg120His; replaces arginine 120 with histidine.
Molecular consequence: missense variant.
Genome position (GRCh38, 1-based): chr5:177,993,031, C>T on the plus strand (G>A on the coding strand, the complement: PROP1 is on the minus strand). VCF-style: chr5-177993031-C-T. GRCh37 (hg19) VCF-style: chr5-177420032-C-T.
Other names: short protein forms R120H.
Identifiers: ClinVar variation 36701 (VCV000036701.7), dbSNP rs769171020, ClinGen allele CA16044117.
Genomic context (GRCh38, chr5:177,993,031, plus strand): 5'-GGAGACAGATGGGCCAGAGGCTGAAGCAGTGAGCGCTCTTGCTTCCGTTGCTTAGCTCTG[C>T]GGTTCTGGAACCAGACCTGAGAAGGGGTAGGAACCACATCAGAGCCCACACTTGACATAG-3'
Protein context (NP_006252.4, residues 110-130): EARIQVWFQN[Arg120His]RAKQRKQERS

ClinVar aggregate classification (germline): Conflicting classifications of pathogenicity. Review status: criteria provided, conflicting classifications (1 of 4 stars). 4 submissions from 4 submitters: Likely pathogenic (2); Uncertain significance (2). Last evaluated 2025-06-02.

Conditions:
Inborn genetic diseases. Identifiers: MedGen C0950123, MeSH D030342.
Pituitary hormone deficiency, combined, 2. Also called: PITUITARY DWARFISM III; PROP1-Related Combined Pituitary Hormone Deficiency; ATELIOTIC DWARFISM WITH HYPOGONADISM; HANHART DWARFISM. Identifiers: MedGen C0878683, MONDO:0009878, OMIM 262600.
Combined pituitary hormone deficiencies, genetic form. Also called: Pituitary hormone deficiency, combined. Identifiers: Orphanet 95494, MedGen C4273747, MONDO:0013099.

Allele frequency attached by ClinVar (database versions not stated): gnomAD exomes below 0.00001; gnomAD 0.00004; TOPMed 0.00004.

Submissions (4):

Natera, Inc.
Classification: Likely pathogenic for Combined pituitary hormone deficiency type 2. Last evaluated: 2025-06-02. Review status: criteria provided, single submitter. Criteria: Natera Variant Classification Schema (03/2026). Collection method: clinical testing. Allele origin: germline.
Comment: The c.359G>A variant in PROP1 is a missense variant predicted to cause substitution of arginine to histidine at amino acid 120. This variant is rare in the general population with a frequency below the threshold expected for the associated phenotype(s). This variant has been observed in one or more individuals affected with the associated recessive disease, as either homozygous or compound heterozygous with a second variant (PMID: 11549703). A different variant at the same position has been determined to be Pathogenic or Likely Pathogenic. Computational prediction algorithms indicate this variant is likely to affect gene or protein function. Given the available evidence, this variant is classified as Likely Pathogenic.

Ambry Genetics
Classification: Uncertain significance for Inborn genetic diseases. Last evaluated: 2021-12-02. Review status: criteria provided, single submitter. Criteria: Ambry Variant Classification Scheme 2023. Collection method: clinical testing. Allele origin: germline.

Baylor Genetics
Classification: Uncertain significance for Pituitary hormone deficiency, combined, 2. Last evaluated: 2018-04-20. Review status: criteria provided, single submitter. Criteria: ACMG Guidelines, 2015. Collection method: clinical testing. Allele origin: unknown. Affected: yes.
Comment: This variant was determined to be of uncertain significance according to ACMG Guidelines, 2015 [PMID:25741868].

Women's Health and Genetics/Laboratory Corporation of America, LabCorp
Classification: Likely pathogenic for Combined Pituitary Hormone Deficiency. Last evaluated: 2011-08-18. Review status: criteria provided, single submitter. Criteria: LabCorp Variant Classification Summary - May 2015. Collection method: curation, clinical testing. Allele origin: germline. Inheritance: autosomal unknown. Affected: yes.
ClinVar note: Converted during submission from likely pathogenic to Likely pathogenic.

Literature cited by the submitters: PubMed 11549703 (cited by Natera, Inc.).